The following is an entry in ClinVar:

ClinVar aggregate classification (germline): Uncertain significance (1 of 4 stars; one submission).

Conditions:
Werner syndrome (WRN). Identifiers: Orphanet 902, MedGen C0043119, MONDO:0010196, OMIM 277700.

Allele frequency attached by ClinVar (database versions not stated): TOPMed below 0.00001; gnomAD 0.00001; gnomAD exomes 0.00001.
gnomAD v4.1: 22 of 1,608,440 alleles (0.0014%); highest among the groups gnomAD compares: Non-Finnish European, 0.0017%; no homozygotes.

Submission:

Labcorp Genetics (formerly Invitae), Labcorp
Classification: Uncertain significance for Werner syndrome. Last evaluated: 2024-10-16. Review status: criteria provided, single submitter. Criteria: Invitae Variant Classification Sherloc (09022015). Collection method: clinical testing. Allele origin: germline.
Comment: This sequence change replaces cysteine, which is neutral and slightly polar, with tyrosine, which is neutral and polar, at codon 646 of the WRN protein (p.Cys646Tyr). This variant is present in population databases (no rsID available, gnomAD 0.0009%). This variant has not been reported in the literature in individuals affected with WRN-related conditions. ClinVar contains an entry for this variant (Variation ID: 640243). An algorithm developed to predict the effect of missense changes on protein structure and function (PolyPhen-2) suggests that this variant is likely to be disruptive. In summary, the available evidence is currently insufficient to determine the role of this variant in disease. Therefore, it has been classified as a Variant of Uncertain Significance.

NM_000553.6(WRN):c.1937G>A (p.Cys646Tyr)

Gene: WRN (WRN RecQ like helicase; plus strand). Cytogenetic location: 8p12.
Variant type: single nucleotide variant.
Coding change: c.1937G>A on transcript NM_000553.6 (MANE Select); coding-DNA position 1937, G replaced by A.
Protein change: p.Cys646Tyr; replaces cysteine 646 with tyrosine.
Molecular consequence: missense variant.
Genome position (GRCh38, 1-based): chr8:31,096,806, G>A. VCF-style: chr8-31096806-G-A. GRCh37 (hg19) VCF-style: chr8-30954322-G-A.
Other names: short protein forms C646Y.
Identifiers: ClinVar variation 640243 (VCV000640243.7), dbSNP rs916536455, ClinGen allele CA370929748.
Genomic context (GRCh38, chr8:31,096,806, plus strand): 5'-TTTCTTTTGTTTGTTTTTACAGAGGTAAATACCGGATTGTATACGTAACTCCAGAATACT[G>A]TTCAGGTAACATGGGCCTGCTCCAGCAACTTGAGGCTGATATTGGTAAGTGATAAAGAAA-3'
Protein context (NP_000544.2, residues 636-656): YRIVYVTPEY[Cys646Tyr]SGNMGLLQQL